The following is an entry in ClinVar:

ClinVar aggregate classification (germline): Uncertain significance (1 of 4 stars; one submission).

Submission:

GeneDx
Classification: Uncertain significance. Last evaluated: 2023-03-17. Review status: criteria provided, single submitter. Criteria: GeneDx Variant Classification Process June 2021. Collection method: clinical testing. Allele origin: germline. Affected: yes.
Comment: Not observed at significant frequency in large population cohorts (gnomAD); In silico analysis supports that this missense variant has a deleterious effect on protein structure/function; Has not been previously published as pathogenic or benign to our knowledge; Occurs in the triple helical domain at the X position in the canonical Gly-X-Y repeat; although this variant may have an effect on normal protein folding and function, missense substitution at the X position is not a common mechanism of disease

NM_001846.4(COL4A2):c.690C>G (p.Asn230Lys)

Gene: COL4A2 (collagen type IV alpha 2 chain; plus strand). Cytogenetic location: 13q34.
Variant type: single nucleotide variant.
Coding change: c.690C>G on transcript NM_001846.4 (MANE Select); coding-DNA position 690, C replaced by G.
Protein change: p.Asn230Lys; replaces asparagine 230 with lysine.
Molecular consequence: missense variant.
Genome position (GRCh38, 1-based): chr13:110,434,406, C>G. VCF-style: chr13-110434406-C-G. GRCh37 (hg19) VCF-style: chr13-111086753-C-G.
Other names: short protein forms N230K.
Identifiers: ClinVar variation 2579915 (VCV002579915.1), dbSNP rs2502067156, ClinGen allele CA388730870.
Genomic context (GRCh38, chr13:110,434,406, plus strand): 5'-ATTTCTCTCTGATTATTGGCTTTTTAAAACTTACAGAAATTATTTATCTTTTCAGGGCAA[C>G]AGAGGACTTGGTTTCTACGGAGTTAAGGGTGAAAAGGTAAAGGAAGCCTGGTCAATTCCA-3'
Protein context (NP_001837.2, residues 220-240): GPPGPKGQQG[Asn230Lys]RGLGFYGVKG